The following is an entry in ClinVar:

NM_003235.5(TG):c.1075G>T (p.Ala359Ser)

Gene: TG (thyroglobulin; plus strand). Cytogenetic location: 8q24.22.
Variant type: single nucleotide variant.
Coding change: c.1075G>T on transcript NM_003235.5 (MANE Select); coding-DNA position 1075, G replaced by T.
Protein change: p.Ala359Ser; replaces alanine 359 with serine.
Molecular consequence: missense variant.
Genome position (GRCh38, 1-based): chr8:132,882,999, G>T. VCF-style: chr8-132882999-G-T. GRCh37 (hg19) VCF-style: chr8-133895244-G-T.
Other names: short protein forms A359S.
Identifiers: ClinVar variation 4535574 (VCV004535574.1).
Genomic context (GRCh38, chr8:132,882,999, plus strand): 5'-GTGGACGCCCAGGGGAAGGAAATGCATGGAACCCGGCAGCAAGGGGAGCCGCCATCTTGT[G>T]GTGGGTTTCCTCTGGGGGCTTCCTCTTTCGGCCTCGGATCATATTACTTTGGCGGTCCTC-3'
Protein context (NP_003226.4, residues 349-369): TRQQGEPPSC[Ala359Ser]EGQSCASERQ

ClinVar aggregate classification (germline): Uncertain significance (1 of 4 stars; one submission).

Submission:

Women's Health and Genetics/Laboratory Corporation of America, LabCorp
Classification: Uncertain significance. Last evaluated: 2025-09-11. Review status: criteria provided, single submitter. Criteria: LabCorp Variant Classification Summary - May 2015. Collection method: clinical testing. Allele origin: germline.
Comment: Variant summary: TG c.1075G>T (p.Ala359Ser) results in a conservative amino acid change in the encoded protein sequence. Algorithms developed to predict the effect of missense changes on protein structure and function all suggest that this variant is likely to be tolerated. Several computational tools predict a significant impact on normal splicing. However, these predictions have yet to be confirmed by functional studies. The frequency data for this variant in gnomAD is considered unreliable, as metrics indicate poor data quality at this position. To our knowledge, no occurrence of c.1075G>T in individuals affected with TG-related conditions and no experimental evidence demonstrating its impact on protein function have been reported. No submitters have cited clinical-significance assessments for this variant to ClinVar. Based on the evidence outlined above, the variant was classified as uncertain significance.